The following is an entry in ClinVar:

NM_012448.4(STAT5B):c.1619A>G (p.Asn540Ser)

Gene: STAT5B (signal transducer and activator of transcription 5B; minus strand). Cytogenetic location: 17q21.2.
Variant type: single nucleotide variant.
Coding change: c.1619A>G on transcript NM_012448.4 (MANE Select); coding-DNA position 1619, A replaced by G.
Protein change: p.Asn540Ser; replaces asparagine 540 with serine.
Molecular consequence: missense variant.
Genome position (GRCh38, 1-based): chr17:42,212,045, T>C on the plus strand (A>G on the coding strand, the complement: STAT5B is on the minus strand). VCF-style: chr17-42212045-T-C. GRCh37 (hg19) VCF-style: chr17-40364063-T-C.
Other names: short protein forms N540S.
Identifiers: ClinVar variation 970790 (VCV000970790.10), dbSNP rs2080133932, ClinGen allele CA399578823.

ClinVar aggregate classification (germline): Uncertain significance (1 of 4 stars; one submission).

Conditions:
Growth hormone insensitivity with immune dysregulation 1, autosomal recessive. Also called: GROWTH HORMONE INSENSITIVITY DUE TO POSTRECEPTOR DEFECT; LARON SYNDROME DUE TO POSTRECEPTOR DEFECT; Laron syndrome with immunodeficiency; GROWTH HORMONE INSENSITIVITY SYNDROME WITH IMMUNE DYSREGULATION 1, AUTOSOMAL RECESSIVE. Identifiers: Orphanet 220465, MedGen C5435698, MONDO:0100211, OMIM 245590.

Allele frequency attached by ClinVar (database versions not stated): gnomAD exomes below 0.00001; TOPMed below 0.00001.
gnomAD v4.1: 4 of 1,614,058 alleles (0.00025%); highest among the groups gnomAD compares: Non-Finnish European, 0.00034%; no homozygotes.

Submission:

Labcorp Genetics (formerly Invitae), Labcorp
Classification: Uncertain significance for Growth hormone insensitivity with immune dysregulation 1, autosomal recessive. Last evaluated: 2019-10-11. Review status: criteria provided, single submitter. Criteria: Invitae Variant Classification Sherloc (09022015). Collection method: clinical testing. Allele origin: germline.
Comment: This sequence change replaces asparagine with serine at codon 540 of the STAT5B protein (p.Asn540Ser). The asparagine residue is weakly conserved and there is a small physicochemical difference between asparagine and serine. This variant is not present in population databases (ExAC no frequency). This variant has not been reported in the literature in individuals with STAT5B-related conditions. Algorithms developed to predict the effect of missense changes on protein structure and function output the following: SIFT: "Tolerated"; PolyPhen-2: "Benign"; Align-GVGD: "Class C0". The serine amino acid residue is found in multiple mammalian species, suggesting that this missense change does not adversely affect protein function. These predictions have not been confirmed by published functional studies and their clinical significance is uncertain. In summary, the available evidence is currently insufficient to determine the role of this variant in disease. Therefore, it has been classified as a Variant of Uncertain Significance.